The following is an entry in ClinVar:

NM_019074.4(DLL4):c.1134G>C (p.Arg378=)

Gene: DLL4 (delta like canonical Notch ligand 4; plus strand). Cytogenetic location: 15q15.1.
Variant type: single nucleotide variant.
Coding change: c.1134G>C on transcript NM_019074.4 (MANE Select); coding-DNA position 1134, G replaced by C.
Protein change: p.Arg378=; no amino-acid change (arginine 378 retained).
Molecular consequence: synonymous variant.
Genome position (GRCh38, 1-based): chr15:40,935,011, G>C. VCF-style: chr15-40935011-G-C. GRCh37 (hg19) VCF-style: chr15-41227209-G-C.
Identifiers: ClinVar variation 2182186 (VCV002182186.15), dbSNP rs373534328, ClinGen allele CA7487862.

ClinVar aggregate classification (germline): Likely benign. Review status: criteria provided, multiple submitters, no conflicts (2 of 4 stars). 3 submissions from 3 submitters: Likely benign (3). Last evaluated 2025-04-01.

Allele frequency attached by ClinVar (database versions not stated): TOPMed 0.00006; ExAC 0.00007; ESP Exome Variant Server 0.00008; gnomAD 0.00009; gnomAD exomes 0.00015.
gnomAD v4.1: 228 of 1,613,430 alleles (0.014%); highest among the groups gnomAD compares: South Asian, 0.036%; no homozygotes.

Submissions (3):

CeGaT Center for Human Genetics Tuebingen
Classification: Likely benign. Last evaluated: 2025-04-01. Review status: criteria provided, single submitter. Criteria: CeGaT Center For Human Genetics Tuebingen Variant Classification Criteria Version 2. Collection method: clinical testing. Allele origin: germline. Affected: yes. Observed: 1 variant allele.
Comment: DLL4: BP4, BP7

Blueprint Genetics
Classification: Likely benign. Last evaluated: 2024-10-03. Review status: criteria provided, single submitter. Criteria: ACMG Guidelines, 2015. Collection method: clinical testing. Allele origin: germline.

Labcorp Genetics (formerly Invitae), Labcorp
Classification: Likely benign. Last evaluated: 2024-01-15. Review status: criteria provided, single submitter. Criteria: Invitae Variant Classification Sherloc (09022015). Collection method: clinical testing. Allele origin: germline.